The following is an entry in ClinVar:

ClinVar aggregate classification (germline): Likely pathogenic (1 of 4 stars; one submission).

gnomAD v4.1: 3 of 1,610,744 alleles (0.00019%); highest among the groups gnomAD compares: Non-Finnish European, 0.00025%; no homozygotes.

Submission:

Labcorp Genetics (formerly Invitae), Labcorp
Classification: Likely pathogenic. Last evaluated: 2025-01-21. Review status: criteria provided, single submitter. Criteria: Invitae Variant Classification Sherloc (09022015). Collection method: clinical testing. Allele origin: germline.
Comment: This sequence change affects a donor splice site in intron 7 of the DOCK6 gene. It is expected to disrupt RNA splicing. Variants that disrupt the donor or acceptor splice site typically lead to a loss of protein function (PMID: 16199547), and loss-of-function variants in DOCK6 are known to be pathogenic (PMID: 21820096, 25824905). This variant is not present in population databases (gnomAD no frequency). This variant has not been reported in the literature in individuals affected with DOCK6-related conditions. Algorithms developed to predict the effect of sequence changes on RNA splicing suggest that this variant may disrupt the consensus splice site. In summary, the currently available evidence indicates that the variant is pathogenic, but additional data are needed to prove that conclusively. Therefore, this variant has been classified as Likely Pathogenic.

Literature cited by the submitters: PubMed 16199547; PubMed 21820096; PubMed 25824905.

NM_020812.4(DOCK6):c.806+1G>C

Gene: DOCK6 (dedicator of cytokinesis 6; minus strand). Cytogenetic location: 19p13.2.
Variant type: single nucleotide variant.
Coding change: c.806+1G>C on transcript NM_020812.4 (MANE Select); the canonical splice donor site of the intron after coding-DNA position 806, G replaced by C.
Molecular consequence: splice donor variant.
Genome position (GRCh38, 1-based): chr19:11,248,065, C>G on the plus strand (G>C on the coding strand, the complement: DOCK6 is on the minus strand). VCF-style: chr19-11248065-C-G. GRCh37 (hg19) VCF-style: chr19-11358741-C-G.
Other names: c.806+1G>C (NM_001367830.1).
Identifiers: ClinVar variation 3729053 (VCV003729053.2).